The following is an entry in ClinVar:

ClinVar aggregate classification (germline): Uncertain significance (1 of 4 stars; one submission).

Submission:

Labcorp Genetics (formerly Invitae), Labcorp
Classification: Uncertain significance. Last evaluated: 2022-10-04. Review status: criteria provided, single submitter. Criteria: Invitae Variant Classification Sherloc (09022015). Collection method: clinical testing. Allele origin: germline.
Comment: This sequence change replaces serine, which is neutral and polar, with arginine, which is basic and polar, at codon 1547 of the HMCN1 protein (p.Ser1547Arg). This variant is not present in population databases (gnomAD no frequency). This variant has not been reported in the literature in individuals affected with HMCN1-related conditions. Algorithms developed to predict the effect of missense changes on protein structure and function are either unavailable or do not agree on the potential impact of this missense change (SIFT: "Deleterious"; PolyPhen-2: "Benign"; Align-GVGD: "Class C0"). In summary, the available evidence is currently insufficient to determine the role of this variant in disease. Therefore, it has been classified as a Variant of Uncertain Significance.

NM_031935.3(HMCN1):c.4641T>A (p.Ser1547Arg)

Gene: HMCN1 (hemicentin 1; plus strand). Cytogenetic location: 1q31.1.
Variant type: single nucleotide variant.
Coding change: c.4641T>A on transcript NM_031935.3 (MANE Select); coding-DNA position 4641, T replaced by A.
Protein change: p.Ser1547Arg; replaces serine 1547 with arginine.
Molecular consequence: missense variant.
Genome position (GRCh38, 1-based): chr1:186,015,169, T>A. VCF-style: chr1-186015169-T-A. GRCh37 (hg19) VCF-style: chr1-185984301-T-A.
Other names: short protein forms S1547R.
Identifiers: ClinVar variation 1720975 (VCV001720975.5), dbSNP rs2527521446, ClinGen allele CA343884534.